The following is an entry in ClinVar:

ClinVar aggregate classification (germline): Likely benign. Review status: criteria provided, multiple submitters, no conflicts (2 of 4 stars). 2 submissions from 2 submitters: Likely benign (2). Last evaluated 2022-08-01.

Allele frequency attached by ClinVar (database versions not stated): gnomAD exomes below 0.00001; TOPMed 0.00001.
gnomAD v4.1: 3 of 1,614,198 alleles (0.00019%); highest among the groups gnomAD compares: Non-Finnish European, 0.00025%; no homozygotes.

Submissions (2):

CeGaT Center for Human Genetics Tuebingen
Classification: Likely benign. Last evaluated: 2022-08-01. Review status: criteria provided, single submitter. Criteria: CeGaT Center For Human Genetics Tuebingen Variant Classification Criteria Version 2. Collection method: clinical testing. Allele origin: germline. Affected: yes. Observed: 1 variant allele.
Comment: PALLD: PM2:Supporting, BP4, BP7

Ambry Genetics
Classification: Likely benign. Last evaluated: 2022-04-22. Review status: criteria provided, single submitter. Criteria: Ambry Variant Classification Scheme 2023. Collection method: clinical testing. Allele origin: germline.

NM_001166108.2(PALLD):c.795C>G (p.Leu265=)

Gene: PALLD (palladin, cytoskeletal associated protein; plus strand). Cytogenetic location: 4q32.3.
Variant type: single nucleotide variant.
Coding change: c.795C>G on transcript NM_001166108.2 (MANE Select); coding-DNA position 795, C replaced by G.
Protein change: p.Leu265=; no amino-acid change (leucine 265 retained).
Molecular consequence: synonymous variant.
Genome position (GRCh38, 1-based): chr4:168,512,299, C>G. VCF-style: chr4-168512299-C-G. GRCh37 (hg19) VCF-style: chr4-169433450-C-G.
Other names: c.795C>G, p.Leu265= (NM_016081.4).
Identifiers: ClinVar variation 1761389 (VCV001761389.26), dbSNP rs1030968980, ClinGen allele CA109883854.